The following is an entry in ClinVar:

NM_003011.4(SET):c.378+3A>T

Gene: SET (SET nuclear proto-oncogene; plus strand). Cytogenetic location: 9q34.11.
Variant type: single nucleotide variant.
Coding change: c.378+3A>T on transcript NM_003011.4 (MANE Select); 3 bases into the intron after coding-DNA position 378, A replaced by T.
Molecular consequence: intron variant.
Genome position (GRCh38, 1-based): chr9:128,692,768, A>T. VCF-style: chr9-128692768-A-T. GRCh37 (hg19) VCF-style: chr9-131455047-A-T.
Other names: c.417+3A>T (NM_001374326.1, NM_001122821.2); c.351+3A>T (NM_001248000.2); c.345+3A>T (NM_001248001.2).
Identifiers: ClinVar variation 3901812 (VCV003901812.1).

ClinVar aggregate classification (germline): Uncertain significance (1 of 4 stars; one submission).

gnomAD v4.1: 1 of 1,584,106 alleles (0.000063%); highest among the groups gnomAD compares: African/African-American, 0.0013%; no homozygotes.

Submission:

GeneDx
Classification: Uncertain significance. Last evaluated: 2024-12-03. Review status: criteria provided, single submitter. Criteria: GeneDx Variant Classification Process June 2021. Collection method: clinical testing. Allele origin: germline. Affected: yes.
Comment: Not observed at significant frequency in large population cohorts (gnomAD); In silico analysis supports a deleterious effect on splicing; Has not been previously published as pathogenic or benign to our knowledge